The following is an entry in ClinVar:

NM_207122.2(EXT2):c.1232_1234del (p.Leu411del)

Gene: EXT2 (exostosin glycosyltransferase 2; plus strand). Cytogenetic location: 11p11.2.
Variant type: Deletion.
Coding change: c.1232_1234del on transcript NM_207122.2 (MANE Select); coding-DNA positions 1232 to 1234, 3 bases deleted (TGC; older notation c.1232_1234delTGC).
Protein change: p.Leu411del; deletes leucine 411.
Molecular consequence: inframe deletion. On other transcripts: intron variant (1).
Genome position (GRCh38, 1-based): chr11:44,171,669-44,171,671, TGC deleted; deleting any 3 consecutive bases within chr11:44,171,668-44,171,671 gives the same sequence; the c. name uses the placement nearest the transcript's 3' end. VCF-style (leftmost placement, unchanged base first): chr11-44171667-CCTG-C. GRCh37 (hg19) VCF-style: chr11-44193217-CCTG-C.
Other names: c.1267-5_1267-3del (NM_001178083.3); c.1331_1333del, p.Leu444del (NM_000401.3); c.1232_1234del, p.Leu411del (NM_001389628.1, NM_001389630.1); short protein forms L411del, L444del.
Identifiers: ClinVar variation 2809516 (VCV002809516.3), dbSNP rs2539664965, ClinGen allele CA2545080821.

ClinVar aggregate classification (germline): Uncertain significance (1 of 4 stars; one submission).

Conditions:
Exostoses, multiple, type 2 (EXT2). Also called: Hereditary Multiple Osteochondromatosis, Type II; EXOSTOSES, MULTIPLE, TYPE II. Identifiers: Orphanet 321, MedGen C1851413, MONDO:0007586, OMIM 133701.

Submission:

Labcorp Genetics (formerly Invitae), Labcorp
Classification: Uncertain significance for Exostoses, multiple, type 2. Last evaluated: 2023-02-25. Review status: criteria provided, single submitter. Criteria: Invitae Variant Classification Sherloc (09022015). Collection method: clinical testing. Allele origin: germline.
Comment: Experimental studies and prediction algorithms are not available or were not evaluated, and the functional significance of this variant is currently unknown. This variant has been observed in individual(s) with clinical features of hereditary multiple osteochondromatosis (Invitae). This variant is not present in population databases (gnomAD no frequency). This variant, c.1232_1234del, results in the deletion of 1 amino acid(s) of the EXT2 protein (p.Leu411del), but otherwise preserves the integrity of the reading frame. In summary, the available evidence is currently insufficient to determine the role of this variant in disease. Therefore, it has been classified as a Variant of Uncertain Significance.